The following is an entry in ClinVar:

NM_004304.5(ALK):c.1752C>T (p.Val584=)

Gene: ALK (ALK receptor tyrosine kinase; minus strand). Cytogenetic location: 2p23.2.
Variant type: single nucleotide variant.
Coding change: c.1752C>T on transcript NM_004304.5 (MANE Select); coding-DNA position 1752, C replaced by T.
Protein change: p.Val584=; no amino-acid change (valine 584 retained).
Molecular consequence: synonymous variant.
Genome position (GRCh38, 1-based): chr2:29,296,953, G>A on the plus strand (C>T on the coding strand, the complement: ALK is on the minus strand). VCF-style: chr2-29296953-G-A. GRCh37 (hg19) VCF-style: chr2-29519819-G-A.
Identifiers: ClinVar variation 412935 (VCV000412935.19), dbSNP rs367912697, ClinGen allele CA1594544.

ClinVar aggregate classification (germline): Likely benign. Review status: criteria provided, multiple submitters, no conflicts (2 of 4 stars). 5 submissions from 5 submitters: Likely benign (5). Last evaluated 2026-02-04.

Conditions:
Hereditary cancer-predisposing syndrome. Also called: Neoplastic Syndromes, Hereditary; Tumor predisposition; Hereditary Cancer Syndrome; Hereditary neoplastic syndrome. Identifiers: Orphanet 140162, MedGen C0027672, MeSH D009386, MONDO:0015356.
Neuroblastoma, susceptibility to, 3. Also called: ALK-Related Neuroblastic Tumor Susceptibility. Identifiers: Orphanet 635, MedGen C2751681, MONDO:0013083, OMIM 613014.

Allele frequency attached by ClinVar (database versions not stated): ExAC 0.00001; gnomAD exomes 0.00002; gnomAD 0.00009; TOPMed 0.00012.
gnomAD v4.1: 74 of 1,614,192 alleles (0.0046%); highest among the groups gnomAD compares: African/African-American, 0.049%; no homozygotes.

Submissions (5):

Labcorp Genetics (formerly Invitae), Labcorp
Classification: Likely benign for Neuroblastoma, susceptibility to, 3. Last evaluated: 2026-02-04. Review status: criteria provided, single submitter. Criteria: Invitae Variant Classification Sherloc (09022015). Collection method: clinical testing. Allele origin: germline.

KCCC/NGS Laboratory, Kuwait Cancer Control Center
Classification: Likely benign for Neuroblastoma, susceptibility to, 3. Last evaluated: 2023-07-07. Review status: criteria provided, single submitter. Criteria: ACMG Guidelines, 2015. Collection method: clinical testing. Allele origin: germline. Affected: yes.

Blueprint Genetics
Classification: Likely benign. Last evaluated: 2021-10-22. Review status: criteria provided, single submitter. Criteria: ACMG Guidelines, 2015. Collection method: clinical testing. Allele origin: germline.

Ambry Genetics
Classification: Likely benign for Hereditary cancer-predisposing syndrome. Last evaluated: 2018-11-02. Review status: criteria provided, single submitter. Criteria: Ambry Variant Classification Scheme 2023. Collection method: clinical testing. Allele origin: germline.

GeneDx
Classification: Likely benign. Last evaluated: 2017-07-23. Review status: criteria provided, single submitter. Criteria: GeneDx Variant Classification (06012015). Collection method: clinical testing. Allele origin: germline. Affected: yes.
Comment: This variant is considered likely benign or benign based on one or more of the following criteria: it is a conservative change, it occurs at a poorly conserved position in the protein, it is predicted to be benign by multiple in silico algorithms, and/or has population frequency not consistent with disease.